The following is an entry in ClinVar:

NM_005589.4(ALDH6A1):c.755C>T (p.Pro252Leu)

Genes: ALDH6A1 (aldehyde dehydrogenase 6 family member A1; minus strand), BBOF1 (basal body orientation factor 1; plus strand). Cytogenetic location: 14q24.3.
Variant type: single nucleotide variant.
Coding change: c.755C>T on transcript NM_005589.4 (MANE Select); coding-DNA position 755, C replaced by T.
Protein change: p.Pro252Leu; replaces proline 252 with leucine.
Molecular consequence: missense variant.
Genome position (GRCh38, 1-based): chr14:74,068,957, G>A on the plus strand (C>T on the coding strand, the complement: ALDH6A1 is on the minus strand). VCF-style: chr14-74068957-G-A. GRCh37 (hg19) VCF-style: chr14-74535660-G-A.
Other names: c.716C>T, p.Pro239Leu (NM_001278593.2); c.293C>T, p.Pro98Leu (NM_001278594.2); short protein forms P98L, P252L, P239L.
Identifiers: ClinVar variation 778094 (VCV000778094.53), dbSNP rs139579994, ClinGen allele CA7265779.
Genomic context (GRCh38, chr14:74,068,957, plus strand): 5'-CTCTCGAAGATATACTCTCCTGCCTTGTTGGATCCCACAAAGCTGATTGCTTTGATGTCC[G>A]GATGATCGCAAATAAAATTTACAGCTTTAAGAAGAAAATAAATGATCACTCACAAAGGAG-3'
Protein context (NP_005580.1, residues 242-262): HEAVNFICDH[Pro252Leu]DIKAISFVGS

ClinVar aggregate classification (germline): Likely benign. Review status: criteria provided, multiple submitters, no conflicts (2 of 4 stars). 3 submissions from 3 submitters: Likely benign (2). 1 of the submissions does not count toward it. Last evaluated 2026-09-01.

Conditions:
ALDH6A1-related disorder. Also called: ALDH6A1-related condition.

Allele frequency attached by ClinVar (database versions not stated): 1000 Genomes Project 0.00180; 1000 Genomes Project 30x 0.00203; gnomAD exomes 0.00389 and 0.00544; gnomAD 0.00396 and 0.00398; TOPMed 0.00399; ExAC 0.00405; ESP Exome Variant Server 0.00431.
gnomAD v4.1: 8,483 of 1,613,816 alleles (0.53%); highest among the groups gnomAD compares: Non-Finnish European, 0.64%; 40 homozygotes.

Submissions (3):

CeGaT Center for Human Genetics Tuebingen
Classification: Likely benign. Last evaluated: 2026-09-01. Review status: criteria provided, single submitter. Criteria: CeGaT Center For Human Genetics Tuebingen Variant Classification Criteria Version 2. Collection method: clinical testing. Allele origin: germline. Affected: yes. Observed: 3 variant alleles.
Comment: ALDH6A1: PP3, BS2

Labcorp Genetics (formerly Invitae), Labcorp
Classification: Likely benign. Last evaluated: 2026-02-02. Review status: criteria provided, single submitter. Criteria: Invitae Variant Classification Sherloc (09022015). Collection method: clinical testing. Allele origin: germline.

PreventionGenetics, part of Exact Sciences
Classification: Likely benign for ALDH6A1-related condition. Last evaluated: 2019-05-09. Review status: no assertion criteria provided. Collection method: clinical testing. Allele origin: germline. Not counted in ClinVar's aggregate classification.
Comment: This variant is classified as likely benign based on ACMG/AMP sequence variant interpretation guidelines (Richards et al. 2015 PMID: 25741868, with internal and published modifications).